The following is an entry in ClinVar:

ClinVar aggregate classification (germline): Conflicting classifications of pathogenicity. Review status: criteria provided, conflicting classifications (1 of 4 stars). 4 submissions from 4 submitters: Likely pathogenic (1); Uncertain significance (3). Last evaluated 2022-08-15.

Conditions:
Spinocerebellar ataxia type 35. Identifiers: Orphanet 276193, MedGen C3888031, MONDO:0013485, OMIM 613908.

Submissions (4):

Women's Health and Genetics/Laboratory Corporation of America, LabCorp
Classification: Likely pathogenic for Spinocerebellar ataxia type 35. Last evaluated: 2022-08-15. Review status: criteria provided, single submitter. Criteria: LabCorp Variant Classification Summary - May 2015. Collection method: clinical testing. Allele origin: germline.
Comment: Variant summary: TGM6 c.425_435del11 (p.Glu142ValfsX38) results in a premature termination codon, predicted to cause a truncation of the encoded protein or absence of the protein due to nonsense mediated decay, which are commonly known mechanisms for disease. The variant also occurs on the exonic portion of a splice junction: the deletion alters the canonical 3' acceptor site with a stronger splice site and brings a cryptic 3' acceptor site closer to this junction. 4/4 computational tools predict no significant impact on normal splicing. However, these predictions have yet to be confirmed by functional studies. The variant was absent in 251444 control chromosomes. To our knowledge, no occurrence of c.425_435del11 in individuals affected with Spinocerebellar Ataxia 35 and no experimental evidence demonstrating its impact on protein function have been reported. No clinical diagnostic laboratories have submitted clinical-significance assessments for this variant to ClinVar after 2014. Based on the evidence outlined above, the variant was classified as likely pathogenic.

CeGaT Center for Human Genetics Tuebingen
Classification: Uncertain significance. Last evaluated: 2022-07-01. Review status: criteria provided, single submitter. Criteria: CeGaT Center For Human Genetics Tuebingen Variant Classification Criteria Version 2. Collection method: clinical testing. Allele origin: germline. Affected: yes. Observed: 1 variant allele.
Comment: TGM6: PM2

Labcorp Genetics (formerly Invitae), Labcorp
Classification: Uncertain significance. Last evaluated: 2022-04-23. Review status: criteria provided, single submitter. Criteria: Invitae Variant Classification Sherloc (09022015). Collection method: clinical testing. Allele origin: germline.
Comment: This variant has not been reported in the literature in individuals affected with TGM6-related conditions. This sequence change creates a premature translational stop signal (p.Glu142Valfs*38) in the TGM6 gene. It is expected to result in an absent or disrupted protein product. However, the current clinical and genetic evidence is not sufficient to establish whether loss-of-function variants in TGM6 cause disease. This variant is not present in population databases (gnomAD no frequency). Algorithms developed to predict the effect of sequence changes on RNA splicing suggest that this variant may disrupt the consensus splice site. In summary, the available evidence is currently insufficient to determine the role of this variant in disease. Therefore, it has been classified as a Variant of Uncertain Significance.

Blueprint Genetics
Classification: Uncertain significance. Last evaluated: 2020-05-18. Review status: criteria provided, single submitter. Criteria: ACMG Guidelines, 2015. Collection method: clinical testing. Allele origin: germline.

NM_198994.2(TGM6):c.425_435del11

Gene: TGM6 (transglutaminase 6; plus strand). Cytogenetic location: 20p13.
Variant type: Deletion.
Coding change: c.425_435del11 on transcript NM_198994.2; coding-DNA positions 425 to 435, 11 bases deleted (AGGACGATGTG).
Genome position (GRCh38, 1-based): chr20:2,396,506-2,396,516, AGGACGATGTG deleted; deleting any 11 consecutive bases within chr20:2,396,505-2,396,516 gives the same sequence; the c. name uses the placement nearest the transcript's 3' end. VCF-style (leftmost placement, unchanged base first): chr20-2396504-AGAGGACGATGT-A. GRCh37 (hg19) VCF-style: chr20-2377150-AGAGGACGATGT-A.
Identifiers: ClinVar variation 1701415 (VCV001701415.33), dbSNP rs1222726216, ClinGen allele CA742259232.